The following is an entry in ClinVar:

ClinVar aggregate classification (germline): Uncertain significance (1 of 4 stars; one submission).

Submission:

Ambry Genetics
Classification: Uncertain significance. Last evaluated: 2025-06-17. Review status: criteria provided, single submitter. Criteria: Ambry Variant Classification Scheme 2023. Collection method: clinical testing. Allele origin: germline.
Comment: The p.M104T variant (also known as c.311T>C), located in coding exon 3 of the RECQL gene, results from a T to C substitution at nucleotide position 311. The methionine at codon 104 is replaced by threonine, an amino acid with similar properties. This amino acid position is conserved. In addition, the in silico prediction for this alteration is inconclusive. Based on the available evidence, the clinical significance of this variant remains unclear.

NM_002907.4(RECQL):c.311T>C (p.Met104Thr)

Gene: RECQL (RecQ like helicase; minus strand). Cytogenetic location: 12p12.1.
Variant type: single nucleotide variant.
Coding change: c.311T>C on transcript NM_002907.4 (MANE Select); coding-DNA position 311, T replaced by C.
Protein change: p.Met104Thr; replaces methionine 104 with threonine.
Molecular consequence: missense variant.
Genome position (GRCh38, 1-based): chr12:21,490,282, A>G on the plus strand (T>C on the coding strand, the complement: RECQL is on the minus strand). VCF-style: chr12-21490282-A-G. GRCh37 (hg19) VCF-style: chr12-21643216-A-G.
Other names: c.311T>C, p.Met104Thr (NM_032941.3); short protein forms M104T.
Identifiers: ClinVar variation 4152296 (VCV004152296.1).